The following is an entry in ClinVar:

NM_000089.4(COL1A2):c.3527-4A>T

Gene: COL1A2 (collagen type I alpha 2 chain; plus strand). Cytogenetic location: 7q21.3.
Variant type: single nucleotide variant.
Coding change: c.3527-4A>T on transcript NM_000089.4 (MANE Select); 4 bases into the intron before coding-DNA position 3527, A replaced by T.
Molecular consequence: intron variant.
Genome position (GRCh38, 1-based): chr7:94,428,289, A>T. VCF-style: chr7-94428289-A-T. GRCh37 (hg19) VCF-style: chr7-94057601-A-T.
Other names: p.?.
Identifiers: ClinVar variation 916286 (VCV000916286.46), dbSNP rs888826541, ClinGen allele CA162941493.

ClinVar aggregate classification (germline): Conflicting classifications of pathogenicity. Review status: criteria provided, conflicting classifications (1 of 4 stars). 4 submissions from 4 submitters: Uncertain significance (1); Likely benign (3). Last evaluated 2025-10-10.

Conditions:
Osteogenesis imperfecta type I (OI1). Also called: OI, TYPE I; OSTEOGENESIS IMPERFECTA TARDA; OSTEOGENESIS IMPERFECTA WITH BLUE SCLERAE; Osteogenesis imperfecta type 1; Lobstein's Disease; Lobstein disease. Identifiers: Orphanet 216796, Orphanet 666, MedGen C0023931, MONDO:0008146, OMIM 166200. Disease mechanism: loss of function.
Ehlers-Danlos syndrome, classic type, 1 (EDSCL1). Also called: Ehlers-Danlos syndrome, type 1; Ehlers-Danlos Syndrome, Classic Type, COL5A1-Related; EDS I; EHLERS-DANLOS SYNDROME, GRAVIS TYPE; EHLERS-DANLOS SYNDROME, SEVERE CLASSIC TYPE. Identifiers: MedGen C0268335, MONDO:0019567, OMIM 130000.

Allele frequency attached by ClinVar (database versions not stated): gnomAD exomes below 0.00001; TOPMed below 0.00001.
gnomAD v4.1: 10 of 1,609,866 alleles (0.00062%); highest among the groups gnomAD compares: Non-Finnish European, 0.00077%; no homozygotes.

Submissions (4):

Mayo Clinic Laboratories, Mayo Clinic
Classification: Likely benign. Last evaluated: 2025-10-10. Review status: criteria provided, single submitter. Criteria: ACMG Guidelines, 2015. Collection method: clinical testing. Allele origin: germline. Observed: 1 variant allele.
Comment: BP4, BP7

Women's Health and Genetics/Laboratory Corporation of America, LabCorp
Classification: Likely benign. Last evaluated: 2025-06-18. Review status: criteria provided, single submitter. Criteria: LabCorp Variant Classification Summary - May 2015. Collection method: clinical testing. Allele origin: germline.

Labcorp Genetics (formerly Invitae), Labcorp
Classification: Likely benign for Osteogenesis imperfecta type I; Ehlers-Danlos syndrome, classic type, 1. Last evaluated: 2024-07-02. Review status: criteria provided, single submitter. Criteria: Invitae Variant Classification Sherloc (09022015). Collection method: clinical testing. Allele origin: germline.

CeGaT Center for Human Genetics Tuebingen
Classification: Uncertain significance. Last evaluated: 2020-03-01. Review status: criteria provided, single submitter. Criteria: CeGaT Center For Human Genetics Tuebingen Variant Classification Criteria Version 2. Collection method: clinical testing. Allele origin: germline. Affected: yes. Observed: 1 variant allele.